The following is an entry in ClinVar:

ClinVar aggregate classification (germline): Uncertain significance (1 of 4 stars; one submission).

Allele frequency attached by ClinVar (database versions not stated): gnomAD exomes below 0.00001 and 0.00001; ExAC 0.00002.
gnomAD v4.1: 3 of 1,539,154 alleles (0.00019%); highest among the groups gnomAD compares: Non-Finnish European, 0.00027%; no homozygotes.

Submission:

Labcorp Genetics (formerly Invitae), Labcorp
Classification: Uncertain significance. Last evaluated: 2023-08-17. Review status: criteria provided, single submitter. Criteria: Invitae Variant Classification Sherloc (09022015). Collection method: clinical testing. Allele origin: germline.
Comment: In summary, the available evidence is currently insufficient to determine the role of this variant in disease. Therefore, it has been classified as a Variant of Uncertain Significance. Algorithms developed to predict the effect of sequence changes on RNA splicing suggest that this variant may disrupt the consensus splice site. ClinVar contains an entry for this variant (Variation ID: 1357627). This variant has not been reported in the literature in individuals affected with FASTKD2-related conditions. This variant is present in population databases (rs774299800, gnomAD 0.003%). This sequence change falls in intron 10 of the FASTKD2 gene. It does not directly change the encoded amino acid sequence of the FASTKD2 protein.

NM_001136193.2(FASTKD2):c.1899-5T>G

Gene: FASTKD2 (FAST kinase domains 2; plus strand). Cytogenetic location: 2q33.3.
Variant type: single nucleotide variant.
Coding change: c.1899-5T>G on transcript NM_001136193.2 (MANE Select); 5 bases into the intron before coding-DNA position 1899, T replaced by G.
Molecular consequence: intron variant.
Genome position (GRCh38, 1-based): chr2:206,790,567, T>G. VCF-style: chr2-206790567-T-G. GRCh37 (hg19) VCF-style: chr2-207655291-T-G.
Other names: c.1899-5T>G (NM_001136194.2, NM_014929.4).
Identifiers: ClinVar variation 1357627 (VCV001357627.6), dbSNP rs774299800, ClinGen allele CA2075316.